The following is an entry in ClinVar:

ClinVar aggregate classification (germline): Uncertain significance. Review status: criteria provided, multiple submitters, no conflicts (2 of 4 stars). 2 submissions from 2 submitters: Uncertain significance (2). Last evaluated 2024-12-18.

Conditions:
CEP164-related disorder. Also called: CEP164-related condition.
Nephronophthisis 15 (NPHP15). Identifiers: Orphanet 3156, MedGen C3541853, MONDO:0013917, OMIM 614845.

Allele frequency attached by ClinVar (database versions not stated): gnomAD exomes below 0.00001; gnomAD 0.00004; TOPMed 0.00004.
gnomAD v4.1: 9 of 1,613,878 alleles (0.00056%); highest among the groups gnomAD compares: African/African-American, 0.012%; no homozygotes.

Submissions (2):

PreventionGenetics, part of Exact Sciences
Classification: Uncertain significance for CEP164-related condition. Last evaluated: 2024-12-18. Review status: criteria provided, single submitter. Criteria: ACMG Guidelines, 2015. Collection method: clinical testing. Allele origin: germline.
Comment: The CEP164 c.2987A>G variant is predicted to result in the amino acid substitution p.Gln996Arg. To our knowledge, this variant has not been reported in the literature. This variant is reported in 0.011% of alleles in individuals of African descent in gnomAD. At this time, the clinical significance of this variant is uncertain due to the absence of conclusive functional and genetic evidence.

Labcorp Genetics (formerly Invitae), Labcorp
Classification: Uncertain significance for Nephronophthisis 15. Last evaluated: 2022-04-20. Review status: criteria provided, single submitter. Criteria: Invitae Variant Classification Sherloc (09022015). Collection method: clinical testing. Allele origin: germline.
Comment: This sequence change replaces glutamine, which is neutral and polar, with arginine, which is basic and polar, at codon 996 of the CEP164 protein (p.Gln996Arg). This variant is present in population databases (no rsID available, gnomAD 0.01%). This variant has not been reported in the literature in individuals affected with CEP164-related conditions. Algorithms developed to predict the effect of missense changes on protein structure and function are either unavailable or do not agree on the potential impact of this missense change (SIFT: "Deleterious"; PolyPhen-2: "Possibly Damaging"; Align-GVGD: "Class C0"). In summary, the available evidence is currently insufficient to determine the role of this variant in disease. Therefore, it has been classified as a Variant of Uncertain Significance.

NM_014956.5(CEP164):c.2987A>G (p.Gln996Arg)

Gene: CEP164 (centrosomal protein 164; plus strand). Cytogenetic location: 11q23.3.
Variant type: single nucleotide variant.
Coding change: c.2987A>G on transcript NM_014956.5 (MANE Select); coding-DNA position 2987, A replaced by G.
Protein change: p.Gln996Arg; replaces glutamine 996 with arginine.
Molecular consequence: missense variant.
Genome position (GRCh38, 1-based): chr11:117,395,620, A>G. VCF-style: chr11-117395620-A-G. GRCh37 (hg19) VCF-style: chr11-117266336-A-G.
Other names: c.2987A>G (NM_014956.4); c.2996A>G, p.Gln999Arg (NM_001271933.2); short protein forms Q996R, Q999R.
Identifiers: ClinVar variation 1905812 (VCV001905812.3), dbSNP rs909417294, ClinGen allele CA229360935.